The following is an entry in ClinVar:

NM_152564.5(VPS13B):c.524C>A (p.Ser175Tyr)

Gene: VPS13B (vacuolar protein sorting 13 homolog B; plus strand). Cytogenetic location: 8q22.2.
Variant type: single nucleotide variant.
Coding change: c.524C>A on transcript NM_152564.5 (MANE Select); coding-DNA position 524, C replaced by A.
Protein change: p.Ser175Tyr; replaces serine 175 with tyrosine.
Molecular consequence: missense variant. On other transcripts: non-coding transcript variant (1).
Genome position (GRCh38, 1-based): chr8:99,103,064, C>A. VCF-style: chr8-99103064-C-A. GRCh37 (hg19) VCF-style: chr8-100115292-C-A.
Other names: c.524C>A, p.Ser175Tyr (NM_015243.3, NM_017890.5, NM_181661.3); short protein forms S175Y.
Identifiers: ClinVar variation 5001063 (VCV005001063.1).

ClinVar aggregate classification (germline): Uncertain significance (1 of 4 stars; one submission).

Conditions:
VPS13B-related disorder. Also called: VPS13B-related condition.

Submission:

PreventionGenetics, part of Exact Sciences
Classification: Uncertain significance for VPS13B-related condition. Last evaluated: 2025-07-30. Review status: criteria provided, single submitter. Criteria: ACMG Guidelines, 2015. Collection method: clinical testing. Allele origin: germline.
Comment: The VPS13B c.524C>A variant is predicted to result in the amino acid substitution p.Ser175Tyr. To our knowledge, this variant has not been reported in the literature or in a large population database (gnomAD), indicating this variant is rare. At this time, the clinical significance of this variant is uncertain due to the absence of conclusive functional and genetic evidence.